The following is an entry in ClinVar:

ClinVar aggregate classification (germline): Uncertain significance. Review status: criteria provided, multiple submitters, no conflicts (2 of 4 stars). 4 submissions from 4 submitters: Uncertain significance (4). Last evaluated 2024-09-22.

Conditions:
Inborn genetic diseases. Identifiers: MedGen C0950123, MeSH D030342.
Joubert syndrome 21 (JBTS21). Identifiers: MedGen C3810212, MONDO:0014288, OMIM 615636.

Allele frequency attached by ClinVar (database versions not stated): gnomAD exomes below 0.00001; TOPMed below 0.00001; gnomAD 0.00001.
gnomAD v4.1: 6 of 1,613,040 alleles (0.00037%); highest among the groups gnomAD compares: Non-Finnish European, 0.00025%; no homozygotes.

Submissions (4):

Genomic Medicine Center of Excellence, King Faisal Specialist Hospital and Research Centre
Classification: Uncertain significance for Joubert syndrome 21. Last evaluated: 2024-09-22. Review status: criteria provided, single submitter. Criteria: ACMG Guidelines, 2015. Collection method: clinical testing. Allele origin: germline.

Ambry Genetics
Classification: Uncertain significance for Inborn genetic diseases. Last evaluated: 2024-01-22. Review status: criteria provided, single submitter. Criteria: Ambry Variant Classification Scheme 2023. Collection method: clinical testing. Allele origin: germline.

GeneDx
Classification: Uncertain significance. Last evaluated: 2024-01-05. Review status: criteria provided, single submitter. Criteria: GeneDx Variant Classification Process June 2021. Collection method: clinical testing. Allele origin: germline. Affected: yes.
Comment: Not observed at significant frequency in large population cohorts (gnomAD); In silico analysis supports that this missense variant does not alter protein structure/function; Has not been previously published as pathogenic or benign to our knowledge

Labcorp Genetics (formerly Invitae), Labcorp
Classification: Uncertain significance for Joubert syndrome 21. Last evaluated: 2021-09-18. Review status: criteria provided, single submitter. Criteria: Invitae Variant Classification Sherloc (09022015). Collection method: clinical testing. Allele origin: germline.
Comment: This sequence change replaces methionine with threonine at codon 950 of the CSPP1 protein (p.Met950Thr). The methionine residue is highly conserved and there is a moderate physicochemical difference between methionine and threonine. This variant is not present in population databases (ExAC no frequency). This variant has not been reported in the literature in individuals affected with CSPP1-related conditions. Algorithms developed to predict the effect of missense changes on protein structure and function are either unavailable or do not agree on the potential impact of this missense change (SIFT: "Deleterious"; PolyPhen-2: "Benign"; Align-GVGD: "Class C0"). In summary, the available evidence is currently insufficient to determine the role of this variant in disease. Therefore, it has been classified as a Variant of Uncertain Significance.

NM_001382391.1(CSPP1):c.2864T>C (p.Met955Thr)

Gene: CSPP1 (centrosome and spindle pole associated protein 1; plus strand). Cytogenetic location: 8q13.2.
Variant type: single nucleotide variant.
Coding change: c.2864T>C on transcript NM_001382391.1 (MANE Select); coding-DNA position 2864, T replaced by C.
Protein change: p.Met955Thr; replaces methionine 955 with threonine.
Molecular consequence: missense variant.
Genome position (GRCh38, 1-based): chr8:67,172,451, T>C. VCF-style: chr8-67172451-T-C. GRCh37 (hg19) VCF-style: chr8-68084686-T-C.
Other names: c.1814T>C, p.Met605Thr (NM_001291339.2); c.2783T>C, p.Met928Thr (NM_001363131.2); c.2669T>C, p.Met890Thr (NM_001363132.2); c.2588T>C, p.Met863Thr (NM_001363133.2); c.2930T>C, p.Met977Thr (NM_001364869.1); c.2750T>C, p.Met917Thr (NM_001364870.1); c.2849T>C, p.Met950Thr (NM_024790.7); short protein forms M605T, M917T, M977T, M863T, M890T, M950T, M928T, M955T.
Identifiers: ClinVar variation 1368339 (VCV001368339.6), dbSNP rs1162661826, ClinGen allele CA371195162.